The following is an entry in ClinVar:

ClinVar aggregate classification (germline): Pathogenic (1 of 4 stars; one submission).

Conditions:
Fabry disease. Also called: ALPHA-GALACTOSIDASE A DEFICIENCY; ANDERSON-FABRY DISEASE; CERAMIDE TRIHEXOSIDASE DEFICIENCY; GLA DEFICIENCY; HEREDITARY DYSTOPIC LIPIDOSIS; Angiokeratoma corporis diffusum. Identifiers: Orphanet 324, MedGen C0002986, MONDO:0010526, OMIM 301500, HP:0001071. Disease mechanism: Fabry disease is due to inactivating mutations in the X-linked GLA gene resulting in deficiency of the enzyme Alpha Galactosidase-A., loss of function.

Submission:

Genomenon, Inc
Classification: Pathogenic for Fabry disease. Last evaluated: 2026-09-08. Review status: criteria provided, single submitter. Criteria: Genomenon Sequence Variant Interpretation Standards - Updated. Collection method: curation. Allele origin: germline. Affected: yes.
Comment: GLA p.Ser62ProfsTer59 (c.184del) is a frameshift variant that is predicted to introduce a premature termination codon and result in a truncated or absent protein product. This variant has been observed in at least one proband with clinical features consistent with Fabry disease (PMID:18297328;18224310). It is absent or not present at a significant frequency in gnomAD. In conclusion, we classify GLA p.Ser62ProfsTer59 (c.184del) as a pathogenic variant.

Literature cited by the submitters: PubMed 18297328; PubMed 18224310.

NM_000169.3(GLA):c.184del (p.Ser62fs)

Genes: GLA (galactosidase alpha; minus strand), RPL36A-HNRNPH2 (RPL36A-HNRNPH2 readthrough; plus strand). Cytogenetic location: Xq22.1.
Variant type: Deletion.
Coding change: c.184del on transcript NM_000169.3 (MANE Select); coding-DNA position 184, one base deleted (T; older notation c.184delT).
Protein change: p.Ser62fs; shifts the reading frame from serine 62.
Molecular consequence: frameshift variant. On other transcripts: non-coding transcript variant (3), intron variant (2).
Genome position (GRCh38, 1-based): chrX:101,407,720, A deleted on the plus strand (T on the coding strand, the reverse complement: GLA is on the minus strand); the first of 2 consecutive A bases (chrX:101,407,720-101,407,721); deleting either gives the same sequence. VCF-style (leftmost placement, unchanged base first): chrX-101407719-GA-G. GRCh37 (hg19) VCF-style: chrX-100662707-GA-G.
Other names: c.184del, p.Ser62fs (NM_001406747.1, NM_001406748.1, NM_001406749.1); c.301-4215del (NM_001199973.2); c.178-4215del (NM_001199974.2); short protein forms S62fs.
Identifiers: ClinVar variation 4087270 (VCV004087270.2).
Genomic context (GRCh38, chrX:101,407,719, plus strand): 5'-CACCCAAACACATGGAAAAGCAAAGGGAAGGGAGTACCCAATATCTGATACCTGATGCAG[GA>G]ATCTGGCTCTTCCTGGCAGTCAAGGTTGCACATGAAGCGCTCCCAGTGCAGCCAGCCCAT-3'